The following is an entry in ClinVar:

NM_000179.3(MSH6):c.2979A>G (p.Glu993=)

Gene: MSH6 (mutS homolog 6; plus strand). Cytogenetic location: 2p16.3.
Variant type: single nucleotide variant.
Coding change: c.2979A>G on transcript NM_000179.3 (MANE Select); coding-DNA position 2979, A replaced by G.
Protein change: p.Glu993=; no amino-acid change (glutamic acid 993 retained).
Molecular consequence: synonymous variant.
Genome position (GRCh38, 1-based): chr2:47,800,962, A>G. VCF-style: chr2-47800962-A-G. GRCh37 (hg19) VCF-style: chr2-48028101-A-G.
Other names: c.2589A>G, p.Glu863= (NM_001281492.2); c.2073A>G, p.Glu691= (NM_001281493.2, NM_001281494.2).
Identifiers: ClinVar variation 391473 (VCV000391473.22), dbSNP rs370462886, ClinGen allele CA069911.

ClinVar aggregate classification (germline): Benign/Likely benign. Review status: criteria provided, multiple submitters, no conflicts (2 of 4 stars). 7 submissions from 7 submitters: Benign (1); Likely benign (6). Last evaluated 2026-01-21.

Conditions:
Hereditary nonpolyposis colorectal neoplasms. Identifiers: MedGen C0009405, MeSH D003123.
Lynch syndrome. Identifiers: Orphanet 144, MedGen C4552100, MONDO:0005835. Disease mechanism: loss of function.
Hereditary cancer-predisposing syndrome. Also called: Neoplastic Syndromes, Hereditary; Hereditary Cancer Syndrome; Tumor predisposition; Hereditary neoplastic syndrome. Identifiers: Orphanet 140162, MedGen C0027672, MeSH D009386, MONDO:0015356.
Lynch syndrome 5 (LYNCH5). Also called: Hereditary non-polyposis colorectal cancer, type 5; Colorectal cancer, hereditary nonpolyposis, type 5. Identifiers: Orphanet 144, MedGen C1833477, MONDO:0013710, OMIM 614350. Disease mechanism: loss of function.

Allele frequency attached by ClinVar (database versions not stated): gnomAD exomes below 0.00001; ExAC 0.00001; gnomAD 0.00001; TOPMed 0.00001; ESP Exome Variant Server 0.00008.
gnomAD v4.1: 6 of 1,564,920 alleles (0.00038%); highest among the groups gnomAD compares: Non-Finnish European, 0.00052%; no homozygotes.

Submissions (7):

Labcorp Genetics (formerly Invitae), Labcorp
Classification: Likely benign for Hereditary nonpolyposis colorectal neoplasms. Last evaluated: 2026-01-21. Review status: criteria provided, single submitter. Criteria: Invitae Variant Classification Sherloc (09022015). Collection method: clinical testing. Allele origin: germline.

Myriad Genetics, Inc.
Classification: Benign for Lynch syndrome 5. Last evaluated: 2025-01-02. Review status: criteria provided, single submitter. Criteria: Myriad Autosomal Dominant, Autosomal Recessive and X-Linked Classification Criteria (2023). Collection method: clinical testing. Allele origin: unknown.
Comment: This variant is considered benign. This variant is a silent/synonymous amino acid change and it is not expected to impact splicing.

Women's Health and Genetics/Laboratory Corporation of America, LabCorp
Classification: Likely benign. Last evaluated: 2024-12-06. Review status: criteria provided, single submitter. Criteria: LabCorp Variant Classification Summary - May 2015. Collection method: clinical testing. Allele origin: germline.

All of Us Research Program, National Institutes of Health
Classification: Likely benign for Lynch syndrome. Last evaluated: 2024-03-14. Review status: criteria provided, single submitter. Criteria: ACMG Guidelines, 2015. Collection method: clinical testing. Allele origin: germline. Inheritance: Autosomal dominant inheritance. Observed: 4 variant alleles, 4 heterozygotes.
Comment: This study involves interpretation of variants in research participants for the purpose of population health screening. Participant phenotype was not available at the time of variant classification. Additional details can be found in publication PMID: 35346344, PMCID: PMC8962531

Color Diagnostics, LLC DBA Color Health
Classification: Likely benign for Hereditary cancer-predisposing syndrome. Last evaluated: 2017-09-29. Review status: criteria provided, single submitter. Criteria: ACMG Guidelines, 2015. Collection method: clinical testing. Allele origin: germline.

GeneDx
Classification: Likely benign. Last evaluated: 2016-12-05. Review status: criteria provided, single submitter. Criteria: GeneDx Variant Classification (06012015). Collection method: clinical testing. Allele origin: germline. Affected: yes.
Comment: This variant is considered likely benign or benign based on one or more of the following criteria: it is a conservative change, it occurs at a poorly conserved position in the protein, it is predicted to be benign by multiple in silico algorithms, and/or has population frequency not consistent with disease.

Ambry Genetics
Classification: Likely benign for Hereditary cancer-predisposing syndrome. Last evaluated: 2016-05-18. Review status: criteria provided, single submitter. Criteria: Ambry Variant Classification Scheme 2023. Collection method: clinical testing. Allele origin: germline.